The following is an entry in ClinVar:

ClinVar aggregate classification (germline): Uncertain significance (1 of 4 stars; one submission).

gnomAD v4.1: 1 of 1,605,600 alleles (0.000062%); highest among the groups gnomAD compares: Middle Eastern, 0.017%; no homozygotes.

Submission:

Labcorp Genetics (formerly Invitae), Labcorp
Classification: Uncertain significance. Last evaluated: 2022-04-03. Review status: criteria provided, single submitter. Criteria: Invitae Variant Classification Sherloc (09022015). Collection method: clinical testing. Allele origin: germline.
Comment: In summary, the available evidence is currently insufficient to determine the role of this variant in disease. Therefore, it has been classified as a Variant of Uncertain Significance. Advanced modeling of protein sequence and biophysical properties (such as structural, functional, and spatial information, amino acid conservation, physicochemical variation, residue mobility, and thermodynamic stability) performed at Invitae indicates that this missense variant is expected to disrupt SI protein function. This variant has not been reported in the literature in individuals affected with SI-related conditions. This variant is not present in population databases (gnomAD no frequency). This sequence change replaces valine, which is neutral and non-polar, with aspartic acid, which is acidic and polar, at codon 577 of the SI protein (p.Val577Asp).

NM_001041.4(SI):c.1730T>A (p.Val577Asp)

Gene: SI (sucrase-isomaltase; minus strand). Cytogenetic location: 3q26.1.
Variant type: single nucleotide variant.
Coding change: c.1730T>A on transcript NM_001041.4 (MANE Select); coding-DNA position 1730, T replaced by A.
Protein change: p.Val577Asp; replaces valine 577 with aspartic acid.
Molecular consequence: missense variant.
Genome position (GRCh38, 1-based): chr3:165,046,998, A>T on the plus strand (T>A on the coding strand, the complement: SI is on the minus strand). VCF-style: chr3-165046998-A-T. GRCh37 (hg19) VCF-style: chr3-164764786-A-T.
Other names: short protein forms V577D.
Identifiers: ClinVar variation 2121199 (VCV002121199.4), dbSNP rs121912615, ClinGen allele CA355052435.